The following is an entry in ClinVar:

NM_020975.6(RET):c.1517G>A (p.Gly506Glu)

Gene: RET (ret proto-oncogene; plus strand). Cytogenetic location: 10q11.21.
Variant type: single nucleotide variant.
Coding change: c.1517G>A on transcript NM_020975.6 (MANE Select); coding-DNA position 1517, G replaced by A.
Protein change: p.Gly506Glu; replaces glycine 506 with glutamic acid.
Molecular consequence: missense variant. On other transcripts: intron variant (15).
Genome position (GRCh38, 1-based): chr10:43,111,460, G>A. VCF-style: chr10-43111460-G-A. GRCh37 (hg19) VCF-style: chr10-43606908-G-A.
Other names: c.1517G>A, p.Gly506Glu (NM_000323.2, NM_001406743.1, NM_001406744.1 and 6 more transcripts); c.755G>A, p.Gly252Glu (NM_001355216.2); c.1388G>A, p.Gly463Glu (NM_001406761.1, NM_001406762.1, NM_001406764.1 and 1 more transcripts); c.1229G>A, p.Gly410Glu (NM_001406766.1, NM_001406767.1, NM_001406770.1); c.1121G>A, p.Gly374Glu (NM_001406769.1, NM_001406772.1); c.1079G>A, p.Gly360Glu (NM_001406771.1, NM_001406773.1); c.992G>A, p.Gly331Glu (NM_001406774.1); c.791G>A, p.Gly264Glu (NM_001406775.1, NM_001406776.1, NM_001406777.1 and 1 more transcripts); and 5 more; short protein forms G252E, G360E, G176E, G264E, G331E, G463E, G506E, G374E.
Identifiers: ClinVar variation 2812998 (VCV002812998.4), dbSNP rs1273035640, ClinGen allele CA376550037.

ClinVar aggregate classification (germline): Uncertain significance. Review status: criteria provided, multiple submitters, no conflicts (2 of 4 stars). 2 submissions from 2 submitters: Uncertain significance (2). Last evaluated 2025-04-09.

Conditions:
Hereditary cancer-predisposing syndrome. Also called: Tumor predisposition; Hereditary Cancer Syndrome; Hereditary neoplastic syndrome; Neoplastic Syndromes, Hereditary. Identifiers: Orphanet 140162, MedGen C0027672, MeSH D009386, MONDO:0015356.
Multiple endocrine neoplasia, type 2 (MEN2). Identifiers: Orphanet 653, MedGen C4048306, MONDO:0019003. Disease mechanism: gain of function.

gnomAD v4.1: 1 of 1,611,778 alleles (0.000062%); highest among the groups gnomAD compares: Non-Finnish European, 0.000085%; no homozygotes.

Submissions (2):

Ambry Genetics
Classification: Uncertain significance for Hereditary cancer-predisposing syndrome. Last evaluated: 2025-04-09. Review status: criteria provided, single submitter. Criteria: Ambry Variant Classification Scheme 2023. Collection method: clinical testing. Allele origin: germline.
Comment: The p.G506E variant (also known as c.1517G>A), located in coding exon 7 of the RET gene, results from a G to A substitution at nucleotide position 1517. The glycine at codon 506 is replaced by glutamic acid, an amino acid with similar properties. This amino acid position is conserved. In addition, the in silico prediction for this alteration is inconclusive. Based on the available evidence, the clinical significance of this variant remains unclear.

Labcorp Genetics (formerly Invitae), Labcorp
Classification: Uncertain significance for Multiple endocrine neoplasia, type 2. Last evaluated: 2025-01-06. Review status: criteria provided, single submitter. Criteria: Invitae Variant Classification Sherloc (09022015). Collection method: clinical testing. Allele origin: germline.
Comment: This sequence change replaces glycine, which is neutral and non-polar, with glutamic acid, which is acidic and polar, at codon 506 of the RET protein (p.Gly506Glu). This variant is not present in population databases (gnomAD no frequency). This variant has not been reported in the literature in individuals affected with RET-related conditions. ClinVar contains an entry for this variant (Variation ID: 2812998). An algorithm developed to predict the effect of missense changes on protein structure and function (PolyPhen-2) suggests that this variant is likely to be tolerated. In summary, the available evidence is currently insufficient to determine the role of this variant in disease. Therefore, it has been classified as a Variant of Uncertain Significance.